The following is an entry in ClinVar:

NM_000901.5(NR3C2):c.2842G>A (p.Glu948Lys)

Gene: NR3C2 (nuclear receptor subfamily 3 group C member 2; minus strand). Cytogenetic location: 4q31.23.
Variant type: single nucleotide variant.
Coding change: c.2842G>A on transcript NM_000901.5 (MANE Select); coding-DNA position 2842, G replaced by A.
Protein change: p.Glu948Lys; replaces glutamic acid 948 with lysine.
Molecular consequence: missense variant. On other transcripts: non-coding transcript variant (1).
Genome position (GRCh38, 1-based): chr4:148,081,457, C>T on the plus strand (G>A on the coding strand, the complement: NR3C2 is on the minus strand). VCF-style: chr4-148081457-C-T. GRCh37 (hg19) VCF-style: chr4-149002608-C-T.
Other names: c.2491G>A, p.Glu831Lys (NM_001166104.2, NM_001354819.1); short protein forms E948K, E831K.
Identifiers: ClinVar variation 2086384 (VCV002086384.4), dbSNP rs1281816539, ClinGen allele CA358425662.

ClinVar aggregate classification (germline): Uncertain significance (1 of 4 stars; one submission).

Allele frequency attached by ClinVar (database versions not stated): gnomAD exomes below 0.00001; TOPMed below 0.00001; gnomAD 0.00001.
gnomAD v4.1: 3 of 1,614,100 alleles (0.00019%); highest among the groups gnomAD compares: Admixed American, 0.005%; no homozygotes.

Submission:

Labcorp Genetics (formerly Invitae), Labcorp
Classification: Uncertain significance. Last evaluated: 2023-08-27. Review status: criteria provided, single submitter. Criteria: Invitae Variant Classification Sherloc (09022015). Collection method: clinical testing. Allele origin: germline.
Comment: Advanced modeling of protein sequence and biophysical properties (such as structural, functional, and spatial information, amino acid conservation, physicochemical variation, residue mobility, and thermodynamic stability) performed at Invitae indicates that this missense variant is not expected to disrupt NR3C2 protein function. In summary, the available evidence is currently insufficient to determine the role of this variant in disease. Therefore, it has been classified as a Variant of Uncertain Significance. ClinVar contains an entry for this variant (Variation ID: 2086384). This variant has not been reported in the literature in individuals affected with NR3C2-related conditions. This variant is present in population databases (no rsID available, gnomAD 0.006%). This sequence change replaces glutamic acid, which is acidic and polar, with lysine, which is basic and polar, at codon 948 of the NR3C2 protein (p.Glu948Lys).